The following is an entry in ClinVar:

ClinVar aggregate classification (germline): Conflicting classifications of pathogenicity. Review status: criteria provided, conflicting classifications (1 of 4 stars). 3 submissions from 3 submitters: Uncertain significance (1); Benign (1); Likely benign (1). Last evaluated 2025-03-12.

Conditions:
Pheochromocytoma. Also called: MAX-Related Hereditary Paraganglioma-Pheochromocytoma Syndrome. Identifiers: Orphanet 29072, MedGen C0031511, MONDO:0008233, OMIM 171300, HP:0002666.
Gastrointestinal stromal tumor. Also called: Gastrointestinal stroma tumor; Gastrointestinal stromal tumor, somatic. Identifiers: Orphanet 44890, MedGen C0238198, MeSH D046152, MONDO:0011719, OMIM 606764, HP:0100723.
Pheochromocytoma/paraganglioma syndrome 4. Also called: SDHB-Related Hereditary Paraganglioma-Pheochromocytoma Syndrome (Paragangliomas 4); SDHB-Related Hereditary Paraganglioma-Pheochromocytoma Syndrome; CAROTID BODY TUMORS AND MULTIPLE EXTRAADRENAL PHEOCHROMOCYTOMAS; PARAGANGLIOMA, FAMILIAL MALIGNANT; PARAGANGLIOMAS, HEREDITARY EXTRAADRENAL; PHEOCHROMOCYTOMA, FAMILIAL EXTRAADRENAL. Identifiers: Orphanet 29072, MedGen C1861848, MONDO:0007273, OMIM 115310.
Hereditary cancer-predisposing syndrome. Also called: Neoplastic Syndromes, Hereditary; Hereditary Cancer Syndrome; Hereditary neoplastic syndrome; Tumor predisposition. Identifiers: Orphanet 140162, MedGen C0027672, MeSH D009386, MONDO:0015356.

Allele frequency attached by ClinVar (database versions not stated): gnomAD exomes below 0.00001.
gnomAD v4.1: 1 of 1,614,208 alleles (0.000062%); highest among the groups gnomAD compares: South Asian, 0.0011%; no homozygotes.

Submissions (3):

Myriad Genetics, Inc.
Classification: Benign for Pheochromocytoma/paraganglioma syndrome 4. Last evaluated: 2025-03-12. Review status: criteria provided, single submitter. Criteria: Myriad Autosomal Dominant, Autosomal Recessive and X-Linked Classification Criteria (2023). Collection method: clinical testing. Allele origin: unknown.
Comment: This variant is considered benign. This variant is a silent/synonymous amino acid change and it is not expected to impact splicing.

Labcorp Genetics (formerly Invitae), Labcorp
Classification: Likely benign for Gastrointestinal stromal tumor; Pheochromocytoma/paraganglioma syndrome 4; Pheochromocytoma. Last evaluated: 2024-09-16. Review status: criteria provided, single submitter. Criteria: Invitae Variant Classification Sherloc (09022015). Collection method: clinical testing. Allele origin: germline.

Ambry Genetics
Classification: Uncertain significance for Hereditary cancer-predisposing syndrome. Last evaluated: 2023-03-31. Review status: criteria provided, single submitter. Criteria: Ambry Variant Classification Scheme 2023. Collection method: clinical testing. Allele origin: germline.
Comment: The c.402T>C variant (also known as p.Y134Y), located in coding exon 4 of the SDHB gene, results from a T to C substitution at nucleotide position 402. This nucleotide substitution does not change the at codon 134. This nucleotide position is well conserved in available vertebrate species. In silico splice site analysis for this alteration is inconclusive. Direct RNA evidence is insufficient at this time (Ambry internal data). Since supporting evidence is limited at this time, the clinical significance of this alteration remains unclear.

NM_003000.3(SDHB):c.402T>C (p.Tyr134=)

Gene: SDHB (succinate dehydrogenase complex iron sulfur subunit B; minus strand). Cytogenetic location: 1p36.13.
Variant type: single nucleotide variant.
Coding change: c.402T>C on transcript NM_003000.3 (MANE Select); coding-DNA position 402, T replaced by C.
Protein change: p.Tyr134=; no amino-acid change (tyrosine 134 retained).
Molecular consequence: synonymous variant.
Genome position (GRCh38, 1-based): chr1:17,028,621, A>G on the plus strand (T>C on the coding strand, the complement: SDHB is on the minus strand). VCF-style: chr1-17028621-A-G. GRCh37 (hg19) VCF-style: chr1-17355116-A-G.
Other names: c.402T>C (NM_003000.2).
Identifiers: ClinVar variation 1106047 (VCV001106047.10), dbSNP rs2101522991, ClinGen allele CA416087534.